The following is an entry in ClinVar:

NM_018896.5(CACNA1G):c.253C>A (p.Arg85Ser)

Gene: CACNA1G (calcium voltage-gated channel subunit alpha1 G; plus strand). Cytogenetic location: 17q21.33.
Variant type: single nucleotide variant.
Coding change: c.253C>A on transcript NM_018896.5 (MANE Select); coding-DNA position 253, C replaced by A.
Protein change: p.Arg85Ser; replaces arginine 85 with serine.
Molecular consequence: missense variant. On other transcripts: non-coding transcript variant (5).
Genome position (GRCh38, 1-based): chr17:50,568,880, C>A. VCF-style: chr17-50568880-C-A. GRCh37 (hg19) VCF-style: chr17-48646241-C-A.
Other names: c.253C>A, p.Arg85Ser (NM_001256324.2, NM_001256325.2, NM_001256326.2 and 24 more transcripts); short protein forms R85S.
Identifiers: ClinVar variation 3367800 (VCV003367800.1).

ClinVar aggregate classification (germline): Uncertain significance (1 of 4 stars; one submission).

Submission:

GeneDx
Classification: Uncertain significance. Last evaluated: 2024-01-10. Review status: criteria provided, single submitter. Criteria: GeneDx Variant Classification Process June 2021. Collection method: clinical testing. Allele origin: germline. Affected: yes.
Comment: Not observed at significant frequency in large population cohorts (gnomAD); In silico analysis supports that this missense variant does not alter protein structure/function; Has not been previously published as pathogenic or benign to our knowledge